The following is an entry in ClinVar:

ClinVar aggregate classification (germline): Pathogenic (1 of 4 stars; one submission).

Conditions:
Cranioectodermal dysplasia 1 (CED1). Also called: LEVIN SYNDROME I. Identifiers: Orphanet 1515, MedGen C0432235, MONDO:0021093, OMIM 218330.

Submission:

Labcorp Genetics (formerly Invitae), Labcorp
Classification: Pathogenic for Cranioectodermal dysplasia 1. Last evaluated: 2025-05-22. Review status: criteria provided, single submitter. Criteria: Invitae Variant Classification Sherloc (09022015). Collection method: clinical testing. Allele origin: germline.
Comment: This sequence change creates a premature translational stop signal (p.Trp7*) in the IFT122 gene. It is expected to result in an absent or disrupted protein product. Loss-of-function variants in IFT122 are known to be pathogenic (PMID: 20493458, 23826986, 26792575). This variant is not present in population databases (gnomAD no frequency). This variant has not been reported in the literature in individuals affected with IFT122-related conditions. For these reasons, this variant has been classified as Pathogenic.

Literature cited by the submitters: PubMed 20493458; PubMed 23826986; PubMed 26792575.

NM_052989.3(IFT122):c.20G>A (p.Trp7Ter)

Genes: IFT122 (intraflagellar transport 122; plus strand), LOC129937552 (ATAC-STARR-seq lymphoblastoid active region 20514; plus strand). Cytogenetic location: 3q21.3.
Variant type: single nucleotide variant.
Coding change: c.20G>A on transcript NM_052989.3 (MANE Select); coding-DNA position 20, G replaced by A.
Protein change: p.Trp7Ter; replaces tryptophan 7 with a stop codon.
Molecular consequence: nonsense. On other transcripts: 5 prime UTR variant (2).
Genome position (GRCh38, 1-based): chr3:129,440,350, G>A. VCF-style: chr3-129440350-G-A. GRCh37 (hg19) VCF-style: chr3-129159193-G-A.
Other names: c.20G>A, p.Trp7Ter (NM_001280541.2, NM_001410808.1, NM_001410809.1 and 13 more transcripts); c.-582G>A (NM_001280545.2); c.-352G>A (NM_001280546.2); short protein forms W7*.
Identifiers: ClinVar variation 4804871 (VCV004804871.1).